The following is an entry in ClinVar:

NM_015978.3(TNNI3K):c.1513A>G (p.Met505Val)

Genes: FPGT-TNNI3K (FPGT-TNNI3K readthrough; plus strand), TNNI3K (TNNI3 interacting kinase; plus strand). Cytogenetic location: 1p31.1.
Variant type: single nucleotide variant.
Coding change: c.1513A>G on transcript NM_015978.3 (MANE Select); coding-DNA position 1513, A replaced by G.
Protein change: p.Met505Val; replaces methionine 505 with valine.
Molecular consequence: missense variant.
Genome position (GRCh38, 1-based): chr1:74,369,431, A>G. VCF-style: chr1-74369431-A-G. GRCh37 (hg19) VCF-style: chr1-74835115-A-G.
Other names: c.1816A>G, p.Met606Val (NM_001112808.3, NM_001199327.2); short protein forms M505V, M606V.
Identifiers: ClinVar variation 4806246 (VCV004806246.1).

ClinVar aggregate classification (germline): Uncertain significance (1 of 4 stars; one submission).

gnomAD v4.1: 1 of 1,612,026 alleles (0.000062%); highest among the groups gnomAD compares: African/African-American, 0.0013%; no homozygotes.

Submission:

Labcorp Genetics (formerly Invitae), Labcorp
Classification: Uncertain significance. Last evaluated: 2025-07-24. Review status: criteria provided, single submitter. Criteria: Invitae Variant Classification Sherloc (09022015). Collection method: clinical testing. Allele origin: germline.
Comment: This sequence change replaces methionine, which is neutral and non-polar, with valine, which is neutral and non-polar, at codon 505 of the TNNI3K protein (p.Met505Val). This variant is not present in population databases (gnomAD no frequency). This variant has not been reported in the literature in individuals affected with TNNI3K-related conditions. Invitae Evidence Modeling of protein sequence and biophysical properties (such as structural, functional, and spatial information, amino acid conservation, physicochemical variation, residue mobility, and thermodynamic stability) indicates that this missense variant is not expected to disrupt TNNI3K protein function with a negative predictive value of 80%. In summary, the available evidence is currently insufficient to determine the role of this variant in disease. Therefore, it has been classified as a Variant of Uncertain Significance.